The following is an entry in ClinVar:

NM_000059.4(BRCA2):c.794-4A>G

Gene: BRCA2 (BRCA2 DNA repair associated; plus strand). Cytogenetic location: 13q13.1.
Variant type: single nucleotide variant.
Coding change: c.794-4A>G on transcript NM_000059.4 (MANE Select); 4 bases into the intron before coding-DNA position 794, A replaced by G.
Molecular consequence: intron variant.
Genome position (GRCh38, 1-based): chr13:32,332,268, A>G. VCF-style: chr13-32332268-A-G. GRCh37 (hg19) VCF-style: chr13-32906405-A-G.
Identifiers: ClinVar variation 1761332 (VCV001761332.5), dbSNP rs1459152619, ClinGen allele CA697334553.

ClinVar aggregate classification (germline): Uncertain significance. Review status: criteria provided, multiple submitters, no conflicts (2 of 4 stars). 3 submissions from 3 submitters: Uncertain significance (3). Last evaluated 2025-07-07.

Conditions:
Hereditary cancer-predisposing syndrome. Also called: Neoplastic Syndromes, Hereditary; Tumor predisposition; Hereditary Cancer Syndrome; Hereditary neoplastic syndrome. Identifiers: Orphanet 140162, MedGen C0027672, MeSH D009386, MONDO:0015356.
Hereditary breast ovarian cancer syndrome. Also called: Hereditary breast and/or ovarian cancer syndrome; Hereditary breast and ovarian cancer syndrome; Breast and ovarian cancer; Hereditary breast and ovarian cancer; BRCA1- and BRCA2-Associated Hereditary Breast and Ovarian Cancer; Hereditary breast and ovarian cancer syndrome (HBOC). Identifiers: Orphanet 145, MedGen C0677776, MeSH D061325, MONDO:0003582. Disease mechanism: loss of function.

Allele frequency attached by ClinVar (database versions not stated): gnomAD exomes below 0.00001; TOPMed below 0.00001; gnomAD 0.00001.
gnomAD v4.1: 3 of 1,596,170 alleles (0.00019%); highest among the groups gnomAD compares: Non-Finnish European, 0.00017%; no homozygotes.

Submissions (3):

Color Diagnostics, LLC DBA Color Health
Classification: Uncertain significance for Hereditary cancer-predisposing syndrome. Last evaluated: 2025-07-07. Review status: criteria provided, single submitter. Criteria: ACMG Guidelines, 2015. Collection method: clinical testing. Allele origin: germline.
Comment: This variant causes an A to G nucleotide substitution at the -4 position of intron 9/26 of the BRCA2 gene. This variant is predicted to disrupt RNA splicing by activating a new splice acceptor site. An RNA study by an external laboratory has demonstrated that this variant results in a transcript predicted to lead to a protein with an in-frame insertion of 1 amino acid (ClinVar SCV002677972.4). To our knowledge, functional studies have not been reported for this variant. This variant has not been reported in individuals affected with BRCA2-related disorders in the literature. This variant has not been identified in the general population by the Genome Aggregation Database (gnomAD). The available evidence is insufficient to determine the role of this variant in disease conclusively. Therefore, this variant is classified as a Variant of Uncertain Significance.

Labcorp Genetics (formerly Invitae), Labcorp
Classification: Uncertain significance for Hereditary breast ovarian cancer syndrome. Last evaluated: 2025-06-22. Review status: criteria provided, single submitter. Criteria: Invitae Variant Classification Sherloc (09022015). Collection method: clinical testing. Allele origin: germline.
Comment: This sequence change falls in intron 9 of the BRCA2 gene. It does not directly change the encoded amino acid sequence of the BRCA2 protein. This variant is not present in population databases (gnomAD no frequency). This variant has not been reported in the literature in individuals affected with BRCA2-related conditions. ClinVar contains an entry for this variant (Variation ID: 1761332). Algorithms developed to predict the effect of sequence changes on RNA splicing suggest that this variant may disrupt the consensus splice site. In summary, the available evidence is currently insufficient to determine the role of this variant in disease. Therefore, it has been classified as a Variant of Uncertain Significance.

Ambry Genetics
Classification: Uncertain significance for Hereditary cancer-predisposing syndrome. Last evaluated: 2025-02-25. Review status: criteria provided, single submitter. Criteria: Ambry Variant Classification Scheme 2023. Collection method: clinical testing. Allele origin: germline.
Comment: The c.794-4A>G intronic variant results from an A to G substitution 4 nucleotides upstream from coding exon 9 in the BRCA2 gene. This nucleotide position is well conserved in available vertebrate species. In silico splice site analysis predicts that this alteration will result in the creation or strengthening of a novel splice acceptor site. RNA studies have demonstrated that this alteration results in a transcript predicted to lead to a protein with an in-frame insertion of 1 amino acid; however, the exact functional impact of the inserted amino acid is unknown at this time (Ambry internal data). Since supporting evidence is limited at this time, the clinical significance of this alteration remains unclear.